The following is an entry in ClinVar:

NM_006031.6(PCNT):c.3813G>A (p.Met1271Ile)

Gene: PCNT (pericentrin; plus strand). Cytogenetic location: 21q22.3.
Variant type: single nucleotide variant.
Coding change: c.3813G>A on transcript NM_006031.6 (MANE Select); coding-DNA position 3813, G replaced by A.
Protein change: p.Met1271Ile; replaces methionine 1271 with isoleucine.
Molecular consequence: missense variant.
Genome position (GRCh38, 1-based): chr21:46,389,404, G>A. VCF-style: chr21-46389404-G-A. GRCh37 (hg19) VCF-style: chr21-47809319-G-A.
Other names: c.3459G>A, p.Met1153Ile (NM_001315529.2); c.3813G>A (NM_006031.5); short protein forms M1271I, M1153I.
Identifiers: ClinVar variation 2162023 (VCV002162023.7), dbSNP rs139430638, ClinGen allele CA10079448.

ClinVar aggregate classification (germline): Uncertain significance. Review status: criteria provided, multiple submitters, no conflicts (2 of 4 stars). 3 submissions from 3 submitters: Uncertain significance (3). Last evaluated 2026-09-09.

Conditions:
PCNT-related disorder. Also called: PCNT-related condition.
Inborn genetic diseases. Identifiers: MedGen C0950123, MeSH D030342.

Allele frequency attached by ClinVar (database versions not stated): ExAC 0.00006; gnomAD 0.00007; TOPMed 0.00010; gnomAD exomes 0.00019; ESP Exome Variant Server 0.00023.

Submissions (3):

PreventionGenetics, part of Exact Sciences
Classification: Uncertain significance for PCNT-related condition. Last evaluated: 2026-09-09. Review status: criteria provided, single submitter. Criteria: ACMG Guidelines, 2015. Collection method: clinical testing. Allele origin: germline.
Comment: The PCNT c.3813G>A variant is predicted to result in the amino acid substitution p.Met1271Ile. To our knowledge, this variant has not been reported in the literature. This variant is reported in 0.020% of alleles in individuals of African descent in gnomAD. At this time, the clinical significance of this variant is uncertain due to the absence of conclusive functional and genetic evidence.

Ambry Genetics
Classification: Uncertain significance for Inborn genetic diseases. Last evaluated: 2024-11-15. Review status: criteria provided, single submitter. Criteria: Ambry Variant Classification Scheme 2023. Collection method: clinical testing. Allele origin: germline.

Labcorp Genetics (formerly Invitae), Labcorp
Classification: Uncertain significance. Last evaluated: 2022-04-11. Review status: criteria provided, single submitter. Criteria: Invitae Variant Classification Sherloc (09022015). Collection method: clinical testing. Allele origin: germline.
Comment: This sequence change replaces methionine, which is neutral and non-polar, with isoleucine, which is neutral and non-polar, at codon 1271 of the PCNT protein (p.Met1271Ile). This variant is present in population databases (rs139430638, gnomAD 0.02%). This variant has not been reported in the literature in individuals affected with PCNT-related conditions. Algorithms developed to predict the effect of missense changes on protein structure and function are either unavailable or do not agree on the potential impact of this missense change (SIFT: "Deleterious"; PolyPhen-2: "Benign"; Align-GVGD: "Class C0"). Algorithms developed to predict the effect of sequence changes on RNA splicing suggest that this variant may create or strengthen a splice site. In summary, the available evidence is currently insufficient to determine the role of this variant in disease. Therefore, it has been classified as a Variant of Uncertain Significance.